The following is an entry in ClinVar:

NM_058216.3(RAD51C):c.636C>T (p.Arg212=)

Genes: RAD51C (RAD51 paralog C; plus strand), LOC129390903 (MPRA-validated peak2919 silencer; plus strand). Cytogenetic location: 17q22.
Variant type: single nucleotide variant.
Coding change: c.636C>T on transcript NM_058216.3 (MANE Select); coding-DNA position 636, C replaced by T.
Protein change: p.Arg212=; no amino-acid change (arginine 212 retained).
Molecular consequence: synonymous variant. On other transcripts: non-coding transcript variant (1).
Genome position (GRCh38, 1-based): chr17:58,703,260, C>T. VCF-style: chr17-58703260-C-T. GRCh37 (hg19) VCF-style: chr17-56780621-C-T.
Identifiers: ClinVar variation 794824 (VCV000794824.12), dbSNP rs1481957875, ClinGen allele CA501075224.

ClinVar aggregate classification (germline): Benign/Likely benign. Review status: criteria provided, multiple submitters, no conflicts (2 of 4 stars). 3 submissions from 3 submitters: Benign (1); Likely benign (2). Last evaluated 2025-02-18.

Conditions:
Hereditary cancer-predisposing syndrome. Also called: Neoplastic Syndromes, Hereditary; Hereditary Cancer Syndrome; Tumor predisposition; Hereditary neoplastic syndrome. Identifiers: Orphanet 140162, MedGen C0027672, MeSH D009386, MONDO:0015356.
Breast-ovarian cancer, familial, susceptibility to, 3. Also called: RAD51C-Related Breast/Ovarian Cancer. Identifiers: Orphanet 145, MedGen C3150659, MONDO:0013253, OMIM 613399.
Fanconi anemia complementation group O. Also called: RAD51C-Related Fanconi Anemia. Identifiers: Orphanet 84, MedGen C3150653, MONDO:0013248, OMIM 613390.

Allele frequency attached by ClinVar (database versions not stated): gnomAD exomes below 0.00001.
gnomAD v4.1: 2 of 1,607,366 alleles (0.00012%); highest among the groups gnomAD compares: East Asian, 0.0022%; no homozygotes.

Submissions (3):

Myriad Genetics, Inc.
Classification: Benign for Breast-ovarian cancer, familial, susceptibility to, 3. Last evaluated: 2025-02-18. Review status: criteria provided, single submitter. Criteria: Myriad Autosomal Dominant, Autosomal Recessive and X-Linked Classification Criteria (2023). Collection method: clinical testing. Allele origin: unknown.
Comment: This variant is considered benign. This variant is a silent/synonymous amino acid change and it is not expected to impact splicing.

Color Diagnostics, LLC DBA Color Health
Classification: Likely benign for Hereditary cancer-predisposing syndrome. Last evaluated: 2019-09-26. Review status: criteria provided, single submitter. Criteria: ACMG Guidelines, 2015. Collection method: clinical testing. Allele origin: germline.

Labcorp Genetics (formerly Invitae), Labcorp
Classification: Likely benign for Fanconi anemia complementation group O. Last evaluated: 2018-11-08. Review status: criteria provided, single submitter. Criteria: Invitae Variant Classification Sherloc (09022015). Collection method: clinical testing. Allele origin: germline.